The following is an entry in ClinVar:

ClinVar aggregate classification (germline): Pathogenic (1 of 4 stars; one submission).

Submission:

Labcorp Genetics (formerly Invitae), Labcorp
Classification: Pathogenic. Last evaluated: 2024-01-04. Review status: criteria provided, single submitter. Criteria: Invitae Variant Classification Sherloc (09022015). Collection method: clinical testing. Allele origin: germline.
Comment: This variant is a gross deletion of the genomic region encompassing exon(s) 17 of the TRIM37 gene. This deletion is out-of-frame, and is expected to create a premature termination codon and result in an absent or disrupted protein product. Loss-of-function variants in TRIM37 are known to be pathogenic (PMID: 10888877, 15108285). This variant has not been reported in the literature in individuals affected with TRIM37-related conditions. For these reasons, this variant has been classified as Pathogenic.

Literature cited by the submitters: PubMed 10888877; PubMed 15108285.

NC_000017.10:g.(?_57119154)_(57119279_?)del

Gene: TRIM37 (tripartite motif containing 37; minus strand). Cytogenetic location: 17q22.
Variant type: Deletion.
Identifiers: ClinVar variation 1458943 (VCV001458943.4).